The following is an entry in ClinVar:

NM_007194.4(CHEK2):c.1324del (p.Ser442fs)

Gene: CHEK2 (checkpoint kinase 2; minus strand). Cytogenetic location: 22q12.1.
Variant type: Deletion.
Coding change: c.1324del on transcript NM_007194.4 (MANE Select); coding-DNA position 1324, one base deleted (A; older notation c.1324delA).
Protein change: p.Ser442fs; shifts the reading frame from serine 442.
Molecular consequence: frameshift variant.
Genome position (GRCh38, 1-based): chr22:28,695,178, T deleted on the plus strand (A on the coding strand, the reverse complement: CHEK2 is on the minus strand). VCF-style (leftmost placement, unchanged base first): chr22-28695177-CT-C. GRCh37 (hg19) VCF-style: chr22-29091165-CT-C.
Other names: c.1453delA, p.Ser485Valfs (NM_001005735.3); c.661delA, p.Ser221Valfs (NM_001257387.3); c.1123delA, p.Ser375Valfs (NM_001349956.3); c.1237delA, p.Ser413Valfs (NM_145862.3); c.1324delA (NM_007194.3); short protein forms S221fs, S375fs, S413fs, S442fs, S485fs.
Identifiers: ClinVar variation 1050248 (VCV001050248.3), dbSNP rs2145794195, ClinGen allele CA2499226057.

ClinVar aggregate classification (germline): Pathogenic. Review status: criteria provided, single submitter (1 of 4 stars). 2 submissions from 2 submitters: Pathogenic (1). 1 of the submissions does not count toward it. Last evaluated 2025-09-24.

Conditions:
Hereditary cancer-predisposing syndrome. Also called: Tumor predisposition; Hereditary neoplastic syndrome; Hereditary Cancer Syndrome; Neoplastic Syndromes, Hereditary. Identifiers: Orphanet 140162, MedGen C0027672, MeSH D009386, MONDO:0015356.
Malignant tumor of breast. Also called: Malignant breast neoplasm; Cancer breast. Identifiers: MedGen C0006142, MONDO:0007254. Disease mechanism: loss of function.

Submissions (2):

Ambry Genetics
Classification: Pathogenic for Hereditary cancer-predisposing syndrome. Last evaluated: 2025-09-24. Review status: criteria provided, single submitter. Criteria: Ambry Variant Classification Scheme 2023. Collection method: clinical testing. Allele origin: germline.
Comment: The c.1324delA pathogenic mutation, located in coding exon 11 of the CHEK2 gene, results from a deletion of one nucleotide at nucleotide position 1324, causing a translational frameshift with a predicted alternate stop codon (p.S442Vfs*27). This variant is considered to be rare based on population cohorts in the Genome Aggregation Database (gnomAD). This alteration is expected to result in loss of function by premature protein truncation or nonsense-mediated mRNA decay. As such, this alteration is interpreted as a disease-causing mutation.

Department of Pathology and Laboratory Medicine, Sinai Health System
Classification: Pathogenic for Malignant tumor of breast. Review status: no assertion criteria provided. Collection method: clinical testing. Allele origin: unknown. Affected: yes. Study: The Canadian Open Genetics Repository (COGR). Not counted in ClinVar's aggregate classification.
Comment: The CHEK2 p.Ser442Valfs*27 variant was not identified in the literature nor was it identified in dbSNP or ClinVar. The variant was not identified in the following control databases: the Exome Aggregation Consortium (August 8th 2016) or the Genome Aggregation Database (Feb 27, 2017). The c.1324del variant is predicted to cause a frameshift, which alters the protein's amino acid sequence beginning at codon 442 and leads to a premature stop codon at position 468. This alteration is then predicted to result in a truncated or absent protein and loss of function. Loss of function variants of the CHEK2 gene are an established mechanism of disease in CHEK2-associated cancer susceptibility and is the type of variant expected to cause the disorder. In summary, based on the above information, this variant meets our laboratoryâ€šÃ„Ã´s criteria to be classified as pathogenic.